The following is an entry in ClinVar:

ClinVar aggregate classification (germline): Uncertain significance (1 of 4 stars; one submission).

Conditions:
Cardiovascular phenotype. Identifiers: MedGen CN230736.

Submission:

Ambry Genetics
Classification: Uncertain significance for Cardiovascular phenotype. Last evaluated: 2024-04-16. Review status: criteria provided, single submitter. Criteria: Ambry Variant Classification Scheme 2023. Collection method: clinical testing. Allele origin: germline.
Comment: The p.G896E variant (also known as c.2687G>A), located in coding exon 18 of the FLNC gene, results from a G to A substitution at nucleotide position 2687. The glycine at codon 896 is replaced by glutamic acid, an amino acid with similar properties. This amino acid position is conserved. In addition, the in silico prediction for this alteration is inconclusive. Based on the available evidence, the clinical significance of this variant remains unclear.

NM_001458.5(FLNC):c.2687G>A (p.Gly896Glu)

Gene: FLNC (filamin C; plus strand). Cytogenetic location: 7q32.1.
Variant type: single nucleotide variant.
Coding change: c.2687G>A on transcript NM_001458.5 (MANE Select); coding-DNA position 2687, G replaced by A.
Protein change: p.Gly896Glu; replaces glycine 896 with glutamic acid.
Molecular consequence: missense variant.
Genome position (GRCh38, 1-based): chr7:128,843,453, G>A. VCF-style: chr7-128843453-G-A. GRCh37 (hg19) VCF-style: chr7-128483507-G-A.
Other names: c.2687G>A, p.Gly896Glu (NM_001127487.2); short protein forms G896E.
Identifiers: ClinVar variation 3279211 (VCV003279211.1).
Genomic context (GRCh38, chr7:128,843,453, plus strand): 5'-TGGGTGGGTCCTCAGGTGTGGAAGTCGGGAAGCCCACCCACTTCACGGTGCTGACCAAGG[G>A]AGCCGGCAAGGCCAAGCTGGATGTGCAGTTTGCAGGGACAGCCAAGGGCGAGGTTGTGCG-3'
Protein context (NP_001449.3, residues 886-906): KPTHFTVLTK[Gly896Glu]AGKAKLDVQF